The following is an entry in ClinVar:

ClinVar aggregate classification (germline): Likely benign (1 of 4 stars; one submission).

gnomAD v4.1: 41 of 1,613,816 alleles (0.0025%); highest among the groups gnomAD compares: East Asian, 0.013%; no homozygotes.

Submission:

CeGaT Center for Human Genetics Tuebingen
Classification: Likely benign. Last evaluated: 2026-08-01. Review status: criteria provided, single submitter. Criteria: CeGaT Center For Human Genetics Tuebingen Variant Classification Criteria Version 2. Collection method: clinical testing. Allele origin: germline. Affected: yes. Observed: 1 variant allele.
Comment: SLC4A3: BP4, BP7

NM_005070.4(SLC4A3):c.2241C>T (p.Thr747=)

Gene: SLC4A3 (solute carrier family 4 member 3; plus strand). Cytogenetic location: 2q35.
Variant type: single nucleotide variant.
Coding change: c.2241C>T on transcript NM_005070.4 (MANE Select); coding-DNA position 2241, C replaced by T.
Protein change: p.Thr747=; no amino-acid change (threonine 747 retained).
Molecular consequence: synonymous variant. On other transcripts: non-coding transcript variant (1).
Genome position (GRCh38, 1-based): chr2:219,636,351, C>T. VCF-style: chr2-219636351-C-T. GRCh37 (hg19) VCF-style: chr2-220501073-C-T.
Other names: c.2322C>T, p.Thr774= (NM_001326559.2, NM_201574.3); c.2241C>T, p.Thr747= (NM_001438863.1); c.1647C>T, p.Thr549= (NM_001438864.1).
Identifiers: ClinVar variation 5039256 (VCV005039256.1).
Genomic context (GRCh38, chr2:219,636,351, plus strand): 5'-TGCTATGGCAGGAGAGAAGACCGAGGGGCTGATGGGCGTGTCCGAGCTGATCGTGTCCAC[C>T]GCTGTGCTCGGCGTCCTCTTCTCTCTGCTGGGAGCTCAGCCGCTGCTTGTGGTTGGCTTC-3'
Protein context (NP_005061.3, residues 737-757): LMGVSELIVS[Thr747=]AVLGVLFSLL